The following is an entry in ClinVar:

NM_213599.3(ANO5):c.1531C>T (p.Gln511Ter)

Gene: ANO5 (anoctamin 5; plus strand). Cytogenetic location: 11p14.3.
Variant type: single nucleotide variant.
Coding change: c.1531C>T on transcript NM_213599.3 (MANE Select); coding-DNA position 1531, C replaced by T.
Protein change: p.Gln511Ter; replaces glutamine 511 with a stop codon.
Molecular consequence: nonsense.
Genome position (GRCh38, 1-based): chr11:22,259,642, C>T. VCF-style: chr11-22259642-C-T. GRCh37 (hg19) VCF-style: chr11-22281188-C-T.
Other names: c.1531C>T (NM_213599.2); c.1528C>T, p.Gln510Ter (NM_001142649.2); short protein forms Q511*, Q510*.
Identifiers: ClinVar variation 1452790 (VCV001452790.7), dbSNP rs1486335553, ClinGen allele CA379922236.

ClinVar aggregate classification (germline): Pathogenic/Likely pathogenic. Review status: criteria provided, multiple submitters, no conflicts (2 of 4 stars). 2 submissions from 2 submitters: Pathogenic (1); Likely pathogenic (1). Last evaluated 2025-03-03.

Conditions:
Gnathodiaphyseal dysplasia (GDD). Also called: GNATHODIAPHYSEAL SCLEROSIS; OSTEOGENESIS IMPERFECTA WITH UNUSUAL SKELETAL LESIONS. Identifiers: Orphanet 53697, MedGen C1833736, MONDO:0008151, OMIM 166260.
Autosomal recessive limb-girdle muscular dystrophy type 2L (LGMDR12). Also called: Limb-girdle muscular dystrophy, type 2L; Limb-Girdle Muscular Dystrophy R12 Anoctamin-5-Related (LGMD-R12); MUSCULAR DYSTROPHY, LIMB-GIRDLE, AUTOSOMAL RECESSIVE 12. Identifiers: Orphanet 206549, MedGen C1969785, MONDO:0012652, OMIM 611307.

Allele frequency attached by ClinVar (database versions not stated): TOPMed 0.00001.

Submissions (2):

Labcorp Genetics (formerly Invitae), Labcorp
Classification: Pathogenic for Autosomal recessive limb-girdle muscular dystrophy type 2L; Gnathodiaphyseal dysplasia. Last evaluated: 2025-03-03. Review status: criteria provided, single submitter. Criteria: Invitae Variant Classification Sherloc (09022015). Collection method: clinical testing. Allele origin: germline.
Comment: This sequence change creates a premature translational stop signal (p.Gln511*) in the ANO5 gene. It is expected to result in an absent or disrupted protein product. Loss-of-function variants in ANO5 are known to be pathogenic (PMID: 21186264, 23606453, 25891276, 30919934). This variant is not present in population databases (gnomAD no frequency). This variant has not been reported in the literature in individuals affected with ANO5-related conditions. ClinVar contains an entry for this variant (Variation ID: 1452790). Algorithms developed to predict the effect of sequence changes on RNA splicing suggest that this variant may disrupt the consensus splice site. For these reasons, this variant has been classified as Pathogenic.

Athena Diagnostics
Classification: Likely pathogenic. Last evaluated: 2023-10-06. Review status: criteria provided, single submitter. Criteria: Athena Diagnostics Criteria. Collection method: clinical testing. Allele origin: unknown.
Comment: This variant is expected to result in the loss of a functional protein. This variant has not been reported in large, multi-ethnic general populations.

Literature cited by the submitters: PubMed 21186264 (cited by Labcorp Genetics (formerly Invitae), Labcorp); PubMed 23606453 (cited by Labcorp Genetics (formerly Invitae), Labcorp); PubMed 25891276 (cited by Labcorp Genetics (formerly Invitae), Labcorp); PubMed 30919934 (cited by Labcorp Genetics (formerly Invitae), Labcorp).